The following is an entry in ClinVar:

NM_020207.7(ERCC6L2):c.214G>A (p.Val72Met)

Gene: ERCC6L2 (ERCC excision repair 6 like 2; plus strand). Cytogenetic location: 9q22.32.
Variant type: single nucleotide variant.
Coding change: c.214G>A on transcript NM_020207.7 (MANE Select); coding-DNA position 214, G replaced by A.
Protein change: p.Val72Met; replaces valine 72 with methionine.
Molecular consequence: missense variant. On other transcripts: non-coding transcript variant (1).
Genome position (GRCh38, 1-based): chr9:95,881,036, G>A. VCF-style: chr9-95881036-G-A. GRCh37 (hg19) VCF-style: chr9-98643318-G-A.
Other names: c.214G>A, p.Val72Met (NM_001010895.4, NM_001375291.1, NM_001375292.1 and 2 more transcripts); short protein forms V72M.
Identifiers: ClinVar variation 4250616 (VCV004250616.1).

ClinVar aggregate classification (germline): Uncertain significance (1 of 4 stars; one submission).

Conditions:
Inborn genetic diseases. Identifiers: MedGen C0950123, MeSH D030342.

Submission:

Ambry Genetics
Classification: Uncertain significance for Inborn genetic diseases. Last evaluated: 2025-08-07. Review status: criteria provided, single submitter. Criteria: Ambry Variant Classification Scheme 2023. Collection method: clinical testing. Allele origin: germline.
Comment: The p.V72M variant (also known as c.214G>A), located in coding exon 2 of the ERCC6L2 gene, results from a G to A substitution at nucleotide position 214. The valine at codon 72 is replaced by methionine, an amino acid with highly similar properties. This amino acid position is conserved. In addition, this alteration is predicted to be tolerated by in silico analysis. Based on the available evidence, the clinical significance of this variant remains unclear.